The following is an entry in ClinVar:

NM_001367721.1(CASK):c.2757G>A (p.Trp919Ter)

Genes: CASK (calcium/calmodulin dependent serine protein kinase; minus strand), CASK-AS1 (CASK antisense RNA 1; plus strand). Cytogenetic location: Xp11.4.
Variant type: single nucleotide variant.
Coding change: c.2757G>A on transcript NM_001367721.1 (MANE Select); coding-DNA position 2757, G replaced by A.
Protein change: p.Trp919Ter; replaces tryptophan 919 with a stop codon.
Molecular consequence: nonsense.
Genome position (GRCh38, 1-based): chrX:41,520,444, C>T on the plus strand (G>A on the coding strand, the complement: CASK is on the minus strand). VCF-style: chrX-41520444-C-T. GRCh37 (hg19) VCF-style: chrX-41379697-C-T.
Other names: c.2673G>A, p.Trp891Ter (NM_001126054.3); c.2670G>A, p.Trp890Ter (NM_001126055.3); c.2739G>A, p.Trp913Ter (NM_001410745.1); c.2742G>A, p.Trp914Ter (NM_003688.4); short protein forms W914*, W891*, W890*, W919*, W913*.
Identifiers: ClinVar variation 523767 (VCV000523767.2), dbSNP rs1555971887, ClinGen allele CA412988690.

ClinVar aggregate classification (germline): Pathogenic (1 of 4 stars; one submission).

Submission:

GeneDx
Classification: Pathogenic. Last evaluated: 2018-03-07. Review status: criteria provided, single submitter. Criteria: GeneDx Variant Classification (06012015). Collection method: clinical testing. Allele origin: germline. Affected: yes.
Comment: The W914X variant in the CASK gene has not been reported previously as a pathogenic variant nor as a benign variant, to our knowledge. This variant is predicted to cause loss of normal protein function through protein truncation. The W914X variant is not observed in large population cohorts (Lek et al., 2016). We interpret W914X as a pathogenic variant, consistent with the bilateral optic atrophy and global developmental delay reported in this individual.